The following is an entry in ClinVar:

NM_001042492.3(NF1):c.1541dup (p.Pro516fs)

Gene: NF1 (neurofibromin 1; plus strand). Cytogenetic location: 17q11.2.
Variant type: Duplication.
Coding change: c.1541dup on transcript NM_001042492.3 (MANE Select); coding-DNA position 1541, one base duplicated (A; older notation c.1541dupA).
Protein change: p.Pro516fs; shifts the reading frame from proline 516.
Molecular consequence: frameshift variant.
Genome position (GRCh38, 1-based): chr17:31,219,018, A duplicated. VCF-style (leftmost placement, unchanged base first): chr17-31219017-C-CA. GRCh37 (hg19) VCF-style: chr17-29546035-C-CA.
Other names: c.1541dup, p.Pro516fs (NM_000267.4, NM_001128147.3); short protein forms P516fs.
Identifiers: ClinVar variation 4813002 (VCV004813002.1).

ClinVar aggregate classification (germline): Pathogenic (1 of 4 stars; one submission).

Conditions:
Neurofibromatosis, type 1 (NF1). Also called: Peripheral type neurofibromatosis; Neurofibromatosis, type I; NEUROFIBROMATOSIS, TYPE I, SOMATIC; VON RECKLINGHAUSEN DISEASE. Identifiers: Orphanet 636, MedGen C0027831, MONDO:0018975, OMIM 162200. Disease mechanism: loss of function.

Submission:

Myriad Genetics, Inc.
Classification: Pathogenic for Neurofibromatosis, type 1. Last evaluated: 2025-11-26. Review status: criteria provided, single submitter. Criteria: Myriad Autosomal Dominant, Autosomal Recessive and X-Linked Classification Criteria (2023). Collection method: clinical testing. Allele origin: unknown.
Comment: This variant is considered pathogenic. This variant creates a frameshift predicted to result in premature protein truncation.